The following is an entry in ClinVar:

ClinVar aggregate classification (germline): Uncertain significance (1 of 4 stars; one submission).

Conditions:
SETX-related disorder. Also called: SETX-related condition; SETX-related disorders. Identifiers: MedGen CN239403.

gnomAD v4.1: 1 of 1,614,174 alleles (0.000062%); highest among the groups gnomAD compares: Non-Finnish European, 0.000085%; no homozygotes.

Submission:

PreventionGenetics, part of Exact Sciences
Classification: Uncertain significance for SETX-related condition. Last evaluated: 2026-02-16. Review status: criteria provided, single submitter. Criteria: ACMG Guidelines, 2015. Collection method: clinical testing. Allele origin: germline.
Comment: The SETX c.4882T>A variant is predicted to result in the amino acid substitution p.Ser1628Thr. To our knowledge, this variant has not been reported in the literature or in a large population database (gnomAD), indicating this variant is rare. At this time, the clinical significance of this variant is uncertain due to the absence of conclusive functional and genetic evidence.

NM_015046.7(SETX):c.4882T>A (p.Ser1628Thr)

Gene: SETX (senataxin; minus strand). Cytogenetic location: 9q34.13.
Variant type: single nucleotide variant.
Coding change: c.4882T>A on transcript NM_015046.7 (MANE Select); coding-DNA position 4882, T replaced by A.
Protein change: p.Ser1628Thr; replaces serine 1628 with threonine.
Molecular consequence: missense variant.
Genome position (GRCh38, 1-based): chr9:132,326,716, A>T on the plus strand (T>A on the coding strand, the complement: SETX is on the minus strand). VCF-style: chr9-132326716-A-T. GRCh37 (hg19) VCF-style: chr9-135202103-A-T.
Other names: c.4882T>A, p.Ser1628Thr (NM_001351527.2, NM_001351528.2); short protein forms S1628T.
Identifiers: ClinVar variation 4995000 (VCV004995000.1).